The following is an entry in ClinVar:

NM_000138.5(FBN1):c.1079G>A (p.Cys360Tyr)

Genes: FBN1 (fibrillin 1; minus strand), LOC113939944 (Sharpr-MPRA regulatory region 9539; plus strand). Cytogenetic location: 15q21.1.
Variant type: single nucleotide variant.
Coding change: c.1079G>A on transcript NM_000138.5 (MANE Select); coding-DNA position 1079, G replaced by A.
Protein change: p.Cys360Tyr; replaces cysteine 360 with tyrosine.
Molecular consequence: missense variant.
Genome position (GRCh38, 1-based): chr15:48,520,727, C>T on the plus strand (G>A on the coding strand, the complement: FBN1 is on the minus strand). VCF-style: chr15-48520727-C-T. GRCh37 (hg19) VCF-style: chr15-48812924-C-T.
Other names: short protein forms C360Y.
Identifiers: ClinVar variation 457157 (VCV000457157.10), dbSNP rs1555400601, ClinGen allele CA392347507.

ClinVar aggregate classification (germline): Likely pathogenic (1 of 4 stars; one submission).

Conditions:
Marfan syndrome (MFS). Also called: MARFAN SYNDROME, TYPE I; FBN1-Related Marfan Syndrome; Marfan syndrome type 1; Marfan's syndrome; Marfan syndrome, classic. Identifiers: Orphanet 284963, Orphanet 558, MedGen C0024796, MONDO:0007947, OMIM 154700.
Familial thoracic aortic aneurysm and aortic dissection (TAAD). Also called: Thoracic aortic aneurysms and dissections. Identifiers: Orphanet 91387, MedGen C4707243, MONDO:0019625.

Submission:

Labcorp Genetics (formerly Invitae), Labcorp
Classification: Likely pathogenic for Marfan syndrome; Familial thoracic aortic aneurysm and aortic dissection. Last evaluated: 2019-03-09. Review status: criteria provided, single submitter. Criteria: Invitae Variant Classification Sherloc (09022015). Collection method: clinical testing. Allele origin: germline.
Comment: In summary, this variant is a novel missense change affecting a residue crucial for protein stability and function. Although additional genetic data will be necessary to further confirm pathogenicity for this variant, cysteine substitutions located in FBN1 TGFBP domains are likely deleterious. For these reasons, this variant has been classified as Likely Pathogenic. This variant affects a cysteine residue located within a TGFBP domain of the FBN1 protein. Cysteine residues in these domains are believed to be involved in intramolecular disulfide bridges and to be important for FBN1 structure. Although the exact function of the FBN1 TGFBP domains has not being elucidated (PMID: 10930463, 27437668), missense substitutions within the TGFBP domains affecting cysteine residues are significantly overrepresented among patients with Marfan syndrome (PMID: 16571647, 17701892). This variant is not present in population databases (ExAC no frequency) and has not been reported in the literature in individuals with a FBN1-related disease. This sequence change replaces cysteine with tyrosine at codon 360 of the FBN1 protein (p.Cys360Tyr). The cysteine residue is highly conserved and there is a large physicochemical difference between cysteine and tyrosine.

Literature cited by the submitters: PubMed 10930463; PubMed 27437668; PubMed 16571647; PubMed 17701892.